The following is an entry in ClinVar:

ClinVar aggregate classification (germline): Pathogenic (1 of 4 stars; one submission).

Conditions:
Familial adenomatous polyposis 1 (FAP1). Also called: FAMILIAL ADENOMATOUS POLYPOSIS 1, ATTENUATED; POLYPOSIS, ADENOMATOUS INTESTINAL. Identifiers: MedGen C2713442, MONDO:0021056, OMIM 175100. Disease mechanism: loss of function.

Submission:

Myriad Genetics, Inc.
Classification: Pathogenic for Familial adenomatous polyposis 1. Last evaluated: 2023-05-12. Review status: criteria provided, single submitter. Criteria: Myriad Autosomal Dominant, Autosomal Recessive and X-Linked Classification Criteria (2023). Collection method: clinical testing. Allele origin: unknown.
Comment: This variant is considered pathogenic. This variant creates a termination codon and is predicted to result in premature protein truncation.

NM_000038.6(APC):c.4933G>T (p.Glu1645Ter)

Gene: APC (APC regulator of Wnt signaling pathway; plus strand). Cytogenetic location: 5q22.2.
Variant type: single nucleotide variant.
Coding change: c.4933G>T on transcript NM_000038.6 (MANE Select); coding-DNA position 4933, G replaced by T.
Protein change: p.Glu1645Ter; replaces glutamic acid 1645 with a stop codon.
Molecular consequence: nonsense. On other transcripts: non-coding transcript variant (2).
Genome position (GRCh38, 1-based): chr5:112,840,527, G>T. VCF-style: chr5-112840527-G-T. GRCh37 (hg19) VCF-style: chr5-112176224-G-T.
Other names: c.4933G>T, p.Glu1645Ter (NM_001127510.3, NM_001354895.2, NM_001407450.1); c.4879G>T, p.Glu1627Ter (NM_001127511.3); c.4987G>T, p.Glu1663Ter (NM_001354896.2, NM_001407447.1, NM_001407448.1 and 1 more transcripts); c.4963G>T, p.Glu1655Ter (NM_001354897.2); c.4858G>T, p.Glu1620Ter (NM_001354898.2); c.4849G>T, p.Glu1617Ter (NM_001354899.2); c.4810G>T, p.Glu1604Ter (NM_001354900.2); c.4756G>T, p.Glu1586Ter (NM_001354901.2, NM_001407453.1); and 11 more; short protein forms E1261*, E1362*, E1485*, E1516*, E1519*, E1544*, E1554*, E1562*.
Identifiers: ClinVar variation 2584263 (VCV002584263.2), dbSNP rs2533609192, ClinGen allele CA16032135.
Genomic context (GRCh38, chr5:112,840,527, plus strand): 5'-CAACCCCAAAAGCATGTTAGTTTTACACCGGGGGATGATATGCCACGGGTGTATTGTGTT[G>T]AAGGGACACCTATAAACTTTTCCACAGCTACATCTCTAAGTGATCTAACAATCGAATCCC-3'